The following is an entry in ClinVar:

NM_001273.5(CHD4):c.170C>T (p.Pro57Leu)

Gene: CHD4 (chromodomain helicase DNA binding protein 4; minus strand). Cytogenetic location: 12p13.31.
Variant type: single nucleotide variant.
Coding change: c.170C>T on transcript NM_001273.5 (MANE Select); coding-DNA position 170, C replaced by T.
Protein change: p.Pro57Leu; replaces proline 57 with leucine.
Molecular consequence: missense variant.
Genome position (GRCh38, 1-based): chr12:6,602,428, G>A on the plus strand (C>T on the coding strand, the complement: CHD4 is on the minus strand). VCF-style: chr12-6602428-G-A. GRCh37 (hg19) VCF-style: chr12-6711594-G-A.
Other names: c.170C>T, p.Pro57Leu (NM_001297553.2, NM_001363606.2); short protein forms P57L.
Identifiers: ClinVar variation 2842290 (VCV002842290.3), dbSNP rs746824737, ClinGen allele CA232401019.

ClinVar aggregate classification (germline): Uncertain significance (1 of 4 stars; one submission).

gnomAD v4.1: 2 of 1,613,974 alleles (0.00012%); highest among the groups gnomAD compares: Non-Finnish European, 0.00017%; no homozygotes.

Submission:

Labcorp Genetics (formerly Invitae), Labcorp
Classification: Uncertain significance. Last evaluated: 2023-03-27. Review status: criteria provided, single submitter. Criteria: Invitae Variant Classification Sherloc (09022015). Collection method: clinical testing. Allele origin: germline.
Comment: In summary, the available evidence is currently insufficient to determine the role of this variant in disease. Therefore, it has been classified as a Variant of Uncertain Significance. An algorithm developed to predict the effect of missense changes on protein structure and function (PolyPhen-2) suggests that this variant is likely to be disruptive. This variant has not been reported in the literature in individuals affected with CHD4-related conditions. This variant is not present in population databases (gnomAD no frequency). This sequence change replaces proline, which is neutral and non-polar, with leucine, which is neutral and non-polar, at codon 57 of the CHD4 protein (p.Pro57Leu).